The following is an entry in ClinVar:

ClinVar aggregate classification (germline): Uncertain significance (1 of 4 stars; one submission).

Conditions:
Norman-Roberts syndrome (LIS2). Also called: Lissencephaly 2 (Norman-Roberts type). Identifiers: Orphanet 89844, MedGen C0796089, MONDO:0009760, OMIM 257320.
Familial temporal lobe epilepsy 7. Identifiers: Orphanet 101046, MedGen C4225327, MONDO:0014639, OMIM 616436.

gnomAD v4.1: 4 of 1,614,050 alleles (0.00025%); highest among the groups gnomAD compares: East Asian, 0.0022%; no homozygotes.

Submission:

Labcorp Genetics (formerly Invitae), Labcorp
Classification: Uncertain significance for Familial temporal lobe epilepsy 7; Norman-Roberts syndrome. Last evaluated: 2024-06-04. Review status: criteria provided, single submitter. Criteria: Invitae Variant Classification Sherloc (09022015). Collection method: clinical testing. Allele origin: germline.
Comment: This sequence change falls in intron 58 of the RELN gene. It does not directly change the encoded amino acid sequence of the RELN protein. This variant is present in population databases (rs762443741, gnomAD 0.006%). This variant has not been reported in the literature in individuals affected with RELN-related conditions. Algorithms developed to predict the effect of sequence changes on RNA splicing suggest that this variant may disrupt the consensus splice site. In summary, the available evidence is currently insufficient to determine the role of this variant in disease. Therefore, it has been classified as a Variant of Uncertain Significance.

NM_005045.4(RELN):c.9444-11G>A

Genes: RELN (reelin; minus strand), SLC26A5-AS1 (SLC26A5 antisense RNA 1; plus strand), LOC126860130 (BRD4-independent group 4 enhancer GRCh37_chr7:103130126-103131325; plus strand). Cytogenetic location: 7q22.1.
Variant type: single nucleotide variant.
Coding change: c.9444-11G>A on transcript NM_005045.4 (MANE Select); 11 bases into the intron before coding-DNA position 9444, G replaced by A.
Molecular consequence: intron variant.
Genome position (GRCh38, 1-based): chr7:103,490,840, C>T on the plus strand (G>A on the coding strand, the complement: RELN is on the minus strand). VCF-style: chr7-103490840-C-T. GRCh37 (hg19) VCF-style: chr7-103131287-C-T.
Other names: c.9444-11G>A (NM_173054.3).
Identifiers: ClinVar variation 3761638 (VCV003761638.2).